The following is an entry in ClinVar:

ClinVar aggregate classification (germline): Conflicting classifications of pathogenicity. Review status: criteria provided, conflicting classifications (1 of 4 stars). 4 submissions from 4 submitters: Likely pathogenic (1); Uncertain significance (3). Last evaluated 2025-10-29.

Conditions:
Autosomal recessive limb-girdle muscular dystrophy type 2J (LGMDR10). Also called: MUSCULAR DYSTROPHY, LIMB-GIRDLE, AUTOSOMAL RECESSIVE 10; Limb-girdle muscular dystrophy, type 2J. Identifiers: Orphanet 140922, MedGen C1837342, MONDO:0012127, OMIM 608807.
Dilated cardiomyopathy 1G (CMD1G). Identifiers: Orphanet 154, MedGen C1858763, MONDO:0011400, OMIM 604145.
Hypertrophic cardiomyopathy 9. Also called: Familial hypertrophic cardiomyopathy 9. Identifiers: MedGen C1861065, MONDO:0013412, OMIM 613765.
Tibial muscular dystrophy (TMD). Also called: Tibial muscular dystrophy, tardive; Udd Distal Myopathy – Tibial Muscular Dystrophy; UDD MYOPATHY. Identifiers: Orphanet 609, MedGen C1838244, MONDO:0010870, OMIM 600334.
Early-onset myopathy with fatal cardiomyopathy (CMYO5). Also called: CONGENITAL MYOPATHY 5 WITH CARDIOMYOPATHY; Salih Myopathy. Identifiers: Orphanet 289377, MedGen C2673677, MONDO:0012714, OMIM 611705. Disease mechanism: loss of function.
Myopathy, myofibrillar, 9, with early respiratory failure (MFM9). Also called: Myopathy, distal, with early respiratory failure, autosomal dominant; Hereditary myopathy with early respiratory failure; EDSTROM MYOPATHY; MYOPATHY, PROXIMAL, WITH EARLY RESPIRATORY MUSCLE INVOLVEMENT. Identifiers: Orphanet 178464, Orphanet 34521, MedGen C1863599, MONDO:0011362, OMIM 603689.

Allele frequency attached by ClinVar (database versions not stated): gnomAD exomes below 0.00001; ExAC 0.00002; gnomAD 0.00003 and 0.00005; TOPMed 0.00004.
gnomAD v4.1: 6 of 1,613,274 alleles (0.00037%); highest among the groups gnomAD compares: African/African-American, 0.008%; no homozygotes.

Submissions (4):

Labcorp Genetics (formerly Invitae), Labcorp
Classification: Likely pathogenic for Dilated cardiomyopathy 1G; Autosomal recessive limb-girdle muscular dystrophy type 2J. Last evaluated: 2025-10-29. Review status: criteria provided, single submitter. Criteria: Invitae Variant Classification Sherloc (09022015). Collection method: clinical testing. Allele origin: germline.
Comment: This sequence change affects an acceptor splice site in intron 130 of the TTN gene. It is expected to disrupt RNA splicing and likely results in a truncated or disrupted TTN protein. This variant is present in population databases (rs781581062, gnomAD 0.007%). This variant has not been observed in the literature in individuals with autosomal recessive TTN-related conditions. This variant has been reported in individual(s) with autosomal dominant dilated cardiomyopathy (internal data); however, the role of the variant in this condition is currently unclear. ClinVar contains an entry for this variant (Variation ID: 573253). Algorithms developed to predict the effect of sequence changes on RNA splicing suggest that this variant may disrupt the consensus splice site. This variant is located in the I band of TTN (PMID: 25589632). Truncating variants in this region have been reported in individuals affected with autosomal recessive centronuclear myopathy (PMID: 23975875, internal data). Truncating variants in this region have also been identified in individuals affected with autosomal dominant dilated cardiomyopathy and/or cardio-related conditions (PMID: 27869827, 32964742, internal data). In summary, the currently available evidence indicates that the variant is pathogenic, but additional data are needed to prove that conclusively. Therefore, this variant has been classified as Likely Pathogenic.

Fulgent Genetics
Classification: Uncertain significance for Tibial muscular dystrophy; Myopathy, myofibrillar, 9, with early respiratory failure; Dilated cardiomyopathy 1G; Autosomal recessive limb-girdle muscular dystrophy type 2J; Early-onset myopathy with fatal cardiomyopathy; Hypertrophic cardiomyopathy 9. Last evaluated: 2021-07-12. Review status: criteria provided, single submitter. Criteria: ACMG Guidelines, 2015. Collection method: clinical testing. Allele origin: unknown.

GeneDx
Classification: Uncertain significance. Last evaluated: 2019-05-15. Review status: criteria provided, single submitter. Criteria: GeneDx Variant Classification Process June 2021. Collection method: clinical testing. Allele origin: germline. Affected: yes.
Comment: Not observed at a significant frequency in large population cohorts (Lek et al., 2016); Canonical splice site variant predicted to result in an in-frame deletion of exon 129; Has not been previously published as pathogenic or benign to our knowledge

Eurofins Ntd Llc (ga)
Classification: Uncertain significance. Last evaluated: 2018-08-23. Review status: criteria provided, single submitter. Criteria: EGL ClinVar v180209 classification definitions. Collection method: clinical testing. Allele origin: germline. Observed: 1 variant allele, 1 heterozygote.

Literature cited by the submitters: PubMed 25589632 (cited by Labcorp Genetics (formerly Invitae), Labcorp); PubMed 23975875 (cited by Labcorp Genetics (formerly Invitae), Labcorp); PubMed 27869827 (cited by Labcorp Genetics (formerly Invitae), Labcorp); PubMed 32964742 (cited by Labcorp Genetics (formerly Invitae), Labcorp).

NM_001267550.2(TTN):c.32555-2A>C

Gene: TTN (titin; minus strand). Cytogenetic location: 2q31.2.
Variant type: single nucleotide variant.
Coding change: c.32555-2A>C on transcript NM_001267550.2 (MANE Select); the canonical splice acceptor site of the intron before coding-DNA position 32555, A replaced by C.
Molecular consequence: splice acceptor variant. On other transcripts: intron variant (3).
Genome position (GRCh38, 1-based): chr2:178,684,751, T>G on the plus strand (A>C on the coding strand, the complement: TTN is on the minus strand). VCF-style: chr2-178684751-T-G. GRCh37 (hg19) VCF-style: chr2-179549478-T-G.
Other names: c.13283-42434A>C (NM_003319.4); c.13859-42434A>C (NM_133437.4); c.13658-42434A>C (NM_133432.3); c.28823-2A>C (NM_133378.4); c.31604-2A>C (NM_001256850.1).
Identifiers: ClinVar variation 573253 (VCV000573253.20), dbSNP rs781581062, ClinGen allele CA1998599.